The following is an entry in ClinVar:

NM_014244.5(ADAMTS2):c.310dup (p.Glu104fs)

Gene: ADAMTS2 (ADAM metallopeptidase with thrombospondin type 1 motif 2; minus strand). Cytogenetic location: 5q35.3.
Variant type: Duplication.
Coding change: c.310dup on transcript NM_014244.5 (MANE Select); coding-DNA position 310, one base duplicated (G; older notation c.310dupG).
Protein change: p.Glu104fs; shifts the reading frame from glutamic acid 104.
Molecular consequence: frameshift variant.
Genome position (GRCh38, 1-based): chr5:179,343,991, C duplicated on the plus strand (G on the coding strand, the reverse complement: ADAMTS2 is on the minus strand); the first of 2 consecutive C bases (chr5:179,343,991-179,343,992); duplicating either gives the same sequence. VCF-style (leftmost placement, unchanged base first): chr5-179343990-T-TC. GRCh37 (hg19) VCF-style: chr5-178770991-T-TC.
Other names: c.310dup, p.Glu104fs (NM_021599.4); short protein forms E104fs.
Identifiers: ClinVar variation 1456924 (VCV001456924.6), dbSNP rs2127463403, ClinGen allele CA2573139437.

ClinVar aggregate classification (germline): Pathogenic (1 of 4 stars; one submission).

Conditions:
Ehlers-Danlos syndrome, dermatosparaxis type. Also called: Ehlers-Danlos syndrome, type VII, autosomal recessive; EDS VIIC; Dermatosparaxis. Identifiers: Orphanet 1901, MedGen C2700425, MONDO:0009161, OMIM 225410.

Submission:

Labcorp Genetics (formerly Invitae), Labcorp
Classification: Pathogenic for Ehlers-Danlos syndrome, dermatosparaxis type. Last evaluated: 2021-08-20. Review status: criteria provided, single submitter. Criteria: Invitae Variant Classification Sherloc (09022015). Collection method: clinical testing. Allele origin: germline.
Comment: For these reasons, this variant has been classified as Pathogenic. This sequence change creates a premature translational stop signal (p.Glu104Glyfs*101) in the ADAMTS2 gene. It is expected to result in an absent or disrupted protein product. Loss-of-function variants in ADAMTS2 are known to be pathogenic (PMID: 10417273). This variant is not present in population databases (ExAC no frequency). This variant has not been reported in the literature in individuals affected with ADAMTS2-related conditions.

Literature cited by the submitters: PubMed 10417273.